The following is an entry in ClinVar:

NM_000203.5(IDUA):c.170_209dup (p.Gln70delinsHisThrGlnProGlyTer)

Genes: IDUA (alpha-L-iduronidase; plus strand), SLC26A1 (solute carrier family 26 member 1; minus strand). Cytogenetic location: 4p16.3.
Variant type: Duplication.
Coding change: c.170_209dup on transcript NM_000203.5 (MANE Select); coding-DNA positions 170 to 209, 40 bases duplicated.
Protein change: p.Gln70delinsHisThrGlnProGlyTer.
Molecular consequence: nonsense. On other transcripts: 3 prime UTR variant (2), non-coding transcript variant (1), intron variant (1).
Genome position (GRCh38, 1-based): chr4:987,820-987,859, 40 bases duplicated. GRCh37 (hg19): chr4:981,608-981,647.
Other names: c.*974_*1013dup (NM_022042.4, NM_213613.4); c.576+3269_576+3308dup (NM_134425.4).
Identifiers: ClinVar variation 638820 (VCV000638820.7), dbSNP rs1577508778, ClinGen allele CA915942991.

ClinVar aggregate classification (germline): Pathogenic (1 of 4 stars; one submission).

Conditions:
Mucopolysaccharidosis type 1. Also called: IDUA deficiency; MPS I; Mucopolysaccharidosis Type I. Identifiers: Orphanet 579, MedGen C0023786, MONDO:0001586.

Submission:

Labcorp Genetics (formerly Invitae), Labcorp
Classification: Pathogenic for Mucopolysaccharidosis type 1. Last evaluated: 2018-10-07. Review status: criteria provided, single submitter. Criteria: Invitae Variant Classification Sherloc (09022015). Collection method: clinical testing. Allele origin: germline.
Comment: This sequence change creates a premature translational stop signal (p.Gln70Hisfs*6) in the IDUA gene. It is expected to result in an absent or disrupted protein product. This variant is not present in population databases (ExAC no frequency). This variant has not been reported in the literature in individuals with IDUA-related disease. Algorithms developed to predict the effect of sequence changes on RNA splicing suggest that this variant may create or strengthen a splice site, but this prediction has not been confirmed by published transcriptional studies. Loss-of-function variants in IDUA are known to be pathogenic (PMID: 11735025, 21480867). For these reasons, this variant has been classified as Pathogenic.

Literature cited by the submitters: PubMed 11735025; PubMed 21480867.